The following is an entry in ClinVar:

ClinVar aggregate classification (germline): Likely pathogenic (1 of 4 stars; one submission).

Conditions:
Woodhouse-Sakati syndrome. Also called: Hypogonadism, Alopecia, Diabetes Mellitus, Mental Retardation, and Extrapyramidal Syndrome; Hypogonadism, diabetes mellitus, alopecia, mental retardation and electrocardiographic abnormalities; EXTRAPYRAMIDAL DISORDER, PROGRESSIVE, WITH PRIMARY HYPOGONADISM, MENTAL RETARDATION, AND ALOPECIA. Identifiers: Orphanet 3464, MedGen C0342286, MONDO:0009419, OMIM 241080.

Submission:

Labcorp Genetics (formerly Invitae), Labcorp
Classification: Likely pathogenic for Woodhouse-Sakati syndrome. Last evaluated: 2024-02-29. Review status: criteria provided, single submitter. Criteria: Invitae Variant Classification Sherloc (09022015). Collection method: clinical testing. Allele origin: germline.
Comment: This sequence change affects an acceptor splice site in intron 7 of the DCAF17 gene. It is expected to disrupt RNA splicing. Variants that disrupt the donor or acceptor splice site typically lead to a loss of protein function (PMID: 16199547), and loss-of-function variants in DCAF17 are known to be pathogenic (PMID: 19026396, 20507343). This variant is not present in population databases (gnomAD no frequency). This variant has not been reported in the literature in individuals affected with DCAF17-related conditions. Algorithms developed to predict the effect of sequence changes on RNA splicing suggest that this variant may disrupt the consensus splice site. In summary, the currently available evidence indicates that the variant is pathogenic, but additional data are needed to prove that conclusively. Therefore, this variant has been classified as Likely Pathogenic.

Literature cited by the submitters: PubMed 16199547; PubMed 19026396; PubMed 20507343.

NM_025000.4(DCAF17):c.733-1G>C

Gene: DCAF17 (DDB1 and CUL4 associated factor 17; plus strand). Cytogenetic location: 2q31.1.
Variant type: single nucleotide variant.
Coding change: c.733-1G>C on transcript NM_025000.4 (MANE Select); the canonical splice acceptor site of the intron before coding-DNA position 733, G replaced by C.
Molecular consequence: splice acceptor variant.
Genome position (GRCh38, 1-based): chr2:171,458,371, G>C. VCF-style: chr2-171458371-G-C. GRCh37 (hg19) VCF-style: chr2-172314881-G-C.
Other names: c.733-1G>C (NM_001164821.2).
Identifiers: ClinVar variation 3643592 (VCV003643592.2).